The following is an entry in ClinVar:

ClinVar aggregate classification (germline): Uncertain significance (1 of 4 stars; one submission).

gnomAD v4.1: 2 of 1,614,180 alleles (0.00012%); highest among the groups gnomAD compares: Non-Finnish European, 0.00017%; no homozygotes.

Submission:

GeneDx
Classification: Uncertain significance. Last evaluated: 2019-08-27. Review status: criteria provided, single submitter. Criteria: GeneDx Variant Classification Process June 2021. Collection method: clinical testing. Allele origin: germline. Affected: yes.
Comment: Not observed in large population cohorts (Lek et al., 2016); In silico analysis, which includes protein predictors and evolutionary conservation, supports a deleterious effect; Has not been previously published as pathogenic or benign to our knowledge

NM_007347.5(AP4E1):c.1808T>G (p.Met603Arg)

Gene: AP4E1 (adaptor related protein complex 4 subunit epsilon 1; plus strand). Cytogenetic location: 15q21.2.
Variant type: single nucleotide variant.
Coding change: c.1808T>G on transcript NM_007347.5 (MANE Select); coding-DNA position 1808, T replaced by G.
Protein change: p.Met603Arg; replaces methionine 603 with arginine.
Molecular consequence: missense variant.
Genome position (GRCh38, 1-based): chr15:50,958,751, T>G. VCF-style: chr15-50958751-T-G. GRCh37 (hg19) VCF-style: chr15-51250948-T-G.
Other names: c.1583T>G, p.Met528Arg (NM_001252127.2); short protein forms M603R, M528R.
Identifiers: ClinVar variation 450717 (VCV000450717.3), dbSNP rs374123339, ClinGen allele CA392418797.
Genomic context (GRCh38, chr15:50,958,751, plus strand): 5'-ATACTTGTATGAGACAACATGCATTTGAATTAAAACATTTGCATGAGAATGTGGAACTTA[T>G]GAAGAGCTTGCTTCCAGTTGACAGGAGTTGTGAAGACTTGGTGGTAAGACATTGGTGTTC-3'
Protein context (NP_031373.2, residues 593-613): LKHLHENVEL[Met603Arg]KSLLPVDRSC